The following is an entry in ClinVar:

NM_001160372.4(TRAPPC9):c.71G>A (p.Gly24Asp)

Gene: TRAPPC9 (trafficking protein particle complex subunit 9; minus strand). Cytogenetic location: 8q24.3.
Variant type: single nucleotide variant.
Coding change: c.71G>A on transcript NM_001160372.4 (MANE Select); coding-DNA position 71, G replaced by A.
Protein change: p.Gly24Asp; replaces glycine 24 with aspartic acid.
Molecular consequence: missense variant. On other transcripts: non-coding transcript variant (1).
Genome position (GRCh38, 1-based): chr8:140,451,303, C>T on the plus strand (G>A on the coding strand, the complement: TRAPPC9 is on the minus strand). VCF-style: chr8-140451303-C-T. GRCh37 (hg19) VCF-style: chr8-141461402-C-T.
Other names: c.71G>A, p.Gly24Asp (NM_001321646.2, NM_001374682.1, NM_001374683.1 and 2 more transcripts); short protein forms G24D.
Identifiers: ClinVar variation 235526 (VCV000235526.8), dbSNP rs773134795, ClinGen allele CA4893808.

ClinVar aggregate classification (germline): Uncertain significance. Review status: criteria provided, multiple submitters, no conflicts (2 of 4 stars). 2 submissions from 2 submitters: Uncertain significance (2). Last evaluated 2021-11-11.

Allele frequency attached by ClinVar (database versions not stated): TOPMed below 0.00001; gnomAD exomes 0.00001; ExAC 0.00002.
gnomAD v4.1: 9 of 1,608,996 alleles (0.00056%); highest among the groups gnomAD compares: Admixed American, 0.0017%; no homozygotes.

Submissions (2):

Labcorp Genetics (formerly Invitae), Labcorp
Classification: Uncertain significance. Last evaluated: 2021-11-11. Review status: criteria provided, single submitter. Criteria: Invitae Variant Classification Sherloc (09022015). Collection method: clinical testing. Allele origin: germline.
Comment: This sequence change replaces glycine, which is neutral and non-polar, with aspartic acid, which is acidic and polar, at codon 122 of the TRAPPC9 protein (p.Gly122Asp). In summary, the available evidence is currently insufficient to determine the role of this variant in disease. Therefore, it has been classified as a Variant of Uncertain Significance. Algorithms developed to predict the effect of missense changes on protein structure and function are either unavailable or do not agree on the potential impact of this missense change (SIFT: "Not Available"; PolyPhen-2: "Probably Damaging"; Align-GVGD: "Not Available"). ClinVar contains an entry for this variant (Variation ID: 235526). This variant has not been reported in the literature in individuals affected with TRAPPC9-related conditions. This variant is present in population databases (rs773134795, gnomAD 0.003%).

Center for Pediatric Genomic Medicine, Children's Mercy Hospital and Clinics
Classification: Uncertain significance. Last evaluated: 2016-01-21. Review status: criteria provided, single submitter. Criteria: ACMG Guidelines, 2015. Collection method: clinical testing. Allele origin: germline.
ClinVar note: Converted during submission from Uncertain Significance to Uncertain significance.